The following is an entry in ClinVar:

ClinVar aggregate classification (germline): Uncertain significance. Review status: criteria provided, multiple submitters, no conflicts (2 of 4 stars). 3 submissions from 3 submitters: Uncertain significance (3). Last evaluated 2025-02-09.

Conditions:
Gorlin syndrome. Also called: Basal cell nevus syndrome; Nevoid Basal Cell Carcinoma Syndrome. Identifiers: Orphanet 377, MedGen C0004779, MONDO:0007187.
Medulloblastoma (MDB). Also called: Medulloblastoma, somatic; MEDULLOBLASTOMA PREDISPOSITION SYNDROME. Identifiers: Orphanet 616, MedGen C0025149, MeSH D008527, MONDO:0007959, OMIM 155255, HP:0002885.
Hereditary cancer-predisposing syndrome. Also called: Hereditary Cancer Syndrome; Neoplastic Syndromes, Hereditary; Hereditary neoplastic syndrome; Tumor predisposition. Identifiers: Orphanet 140162, MedGen C0027672, MeSH D009386, MONDO:0015356.
Familial meningioma. Also called: Meningioma, familial, susceptibility to. Identifiers: Orphanet 263662, MedGen C3551915, MONDO:0011789, OMIM 607174.

Submissions (3):

Ambry Genetics
Classification: Uncertain significance for Hereditary cancer-predisposing syndrome. Last evaluated: 2025-02-09. Review status: criteria provided, single submitter. Criteria: Ambry Variant Classification Scheme 2023. Collection method: clinical testing. Allele origin: germline.
Comment: The p.P20A variant (also known as c.58C>G), located in coding exon 1 of the SUFU gene, results from a C to G substitution at nucleotide position 58. The proline at codon 20 is replaced by alanine, an amino acid with highly similar properties. This amino acid position is conserved. In addition, this alteration is predicted to be tolerated by in silico analysis. Based on the available evidence, the clinical significance of this variant remains unclear.

Baylor Genetics
Classification: Uncertain significance for Familial meningioma. Last evaluated: 2023-08-07. Review status: criteria provided, single submitter. Criteria: ACMG Guidelines, 2015. Collection method: clinical testing. Allele origin: unknown.

Labcorp Genetics (formerly Invitae), Labcorp
Classification: Uncertain significance for Gorlin syndrome; Medulloblastoma. Last evaluated: 2022-09-25. Review status: criteria provided, single submitter. Criteria: Invitae Variant Classification Sherloc (09022015). Collection method: clinical testing. Allele origin: germline.
Comment: This variant is not present in population databases (gnomAD no frequency). This variant has not been reported in the literature in individuals affected with SUFU-related conditions. Algorithms developed to predict the effect of missense changes on protein structure and function are either unavailable or do not agree on the potential impact of this missense change (SIFT: "Tolerated"; PolyPhen-2: "Possibly Damaging"; Align-GVGD: "Class C0"). In summary, the available evidence is currently insufficient to determine the role of this variant in disease. Therefore, it has been classified as a Variant of Uncertain Significance. This sequence change replaces proline, which is neutral and non-polar, with alanine, which is neutral and non-polar, at codon 20 of the SUFU protein (p.Pro20Ala).

NM_016169.4(SUFU):c.58C>G (p.Pro20Ala)

Genes: SUFU (SUFU negative regulator of hedgehog signaling; plus strand), LOC130004614 (ATAC-STARR-seq lymphoblastoid silent region 2764; plus strand). Cytogenetic location: 10q24.32.
Variant type: single nucleotide variant.
Coding change: c.58C>G on transcript NM_016169.4 (MANE Select); coding-DNA position 58, C replaced by G.
Protein change: p.Pro20Ala; replaces proline 20 with alanine.
Molecular consequence: missense variant.
Genome position (GRCh38, 1-based): chr10:102,504,210, C>G. VCF-style: chr10-102504210-C-G. GRCh37 (hg19) VCF-style: chr10-104263967-C-G.
Other names: c.58C>G, p.Pro20Ala (NM_001178133.2); short protein forms P20A.
Identifiers: ClinVar variation 2127529 (VCV002127529.6), dbSNP rs936379170, ClinGen allele CA212238100.